The following is an entry in ClinVar:

NM_000393.5(COL5A2):c.4138C>T (p.Pro1380Ser)

Gene: COL5A2 (collagen type V alpha 2 chain; minus strand). Cytogenetic location: 2q32.2.
Variant type: single nucleotide variant.
Coding change: c.4138C>T on transcript NM_000393.5 (MANE Select); coding-DNA position 4138, C replaced by T.
Protein change: p.Pro1380Ser; replaces proline 1380 with serine.
Molecular consequence: missense variant.
Genome position (GRCh38, 1-based): chr2:189,035,131, G>A on the plus strand (C>T on the coding strand, the complement: COL5A2 is on the minus strand). VCF-style: chr2-189035131-G-A. GRCh37 (hg19) VCF-style: chr2-189899857-G-A.
Other names: short protein forms P1380S.
Identifiers: ClinVar variation 392327 (VCV000392327.13), dbSNP rs145755198, ClinGen allele CA16604069.

ClinVar aggregate classification (germline): Conflicting classifications of pathogenicity. Review status: criteria provided, conflicting classifications (1 of 4 stars). 2 submissions from 2 submitters: Uncertain significance (1); Likely benign (1). Last evaluated 2023-05-22.

Conditions:
Ehlers-Danlos syndrome, classic type, 1 (EDSCL1). Also called: EHLERS-DANLOS SYNDROME, GRAVIS TYPE; EHLERS-DANLOS SYNDROME, SEVERE CLASSIC TYPE; Ehlers-Danlos Syndrome, Classic Type, COL5A1-Related; EDS I; Ehlers-Danlos syndrome, type 1. Identifiers: MedGen C0268335, MONDO:0019567, OMIM 130000.

Allele frequency attached by ClinVar (database versions not stated): TOPMed 0.00005; gnomAD 0.00003; ESP Exome Variant Server 0.00008.
gnomAD v4.1: 11 of 1,613,732 alleles (0.00068%); highest among the groups gnomAD compares: African/African-American, 0.0067%; no homozygotes.

Submissions (2):

Labcorp Genetics (formerly Invitae), Labcorp
Classification: Likely benign for Ehlers-Danlos syndrome, classic type, 1. Last evaluated: 2023-05-22. Review status: criteria provided, single submitter. Criteria: Invitae Variant Classification Sherloc (09022015). Collection method: clinical testing. Allele origin: germline.

GeneDx
Classification: Uncertain significance. Last evaluated: 2017-01-04. Review status: criteria provided, single submitter. Criteria: GeneDx Variant Classification (06012015). Collection method: clinical testing. Allele origin: germline. Affected: yes.
Comment: A variant of uncertain significance has been identified in the COL5A2 gene. The P1380S variant has not been published as a pathogenic variant, nor has it been reported as a benign variant to our knowledge. This variant was not observed with any significant frequency in approximately 6,500 individuals of European and African American ancestry in the NHLBI Exome Sequencing Project. The P1380S variant is a non-conservative amino acid substitution, which is likely to impact secondary protein structure as these residues differ in polarity, charge, size and/or other properties. However, this substitution occurs at a position that is only conserved in most mammals and where Serine is the wild type in the guinea pig. Finally, in silico analysis is inconsistent in its predictions as to whether or not the variant is damaging to the protein structure/function. Therefore, based on the currently available information, it is unclear whether this variant is pathogenic or rare benign. This result cannot be interpreted for diagnosis or used for family member screening at this time.